The following is an entry in ClinVar:

ClinVar aggregate classification (germline): Likely benign. Review status: criteria provided, multiple submitters, no conflicts (2 of 4 stars). 5 submissions from 5 submitters: Likely benign (5). Last evaluated 2026-01-26.

Conditions:
Cardiac arrhythmia. Also called: Cardiac rhythm disease; Arrhythmia. Identifiers: MedGen C0003811, MONDO:0007263, HP:0011675.
Long QT syndrome (LQTS). Identifiers: MedGen C0023976, MeSH D008133, MONDO:0002442. Disease mechanism: loss of function. Inheritance: Various modes of inheritance.
Cardiovascular phenotype. Identifiers: MedGen CN230736.

gnomAD v4.1: 10 of 1,611,000 alleles (0.00062%); highest among the groups gnomAD compares: East Asian, 0.011%; no homozygotes.

Submissions (5):

Labcorp Genetics (formerly Invitae), Labcorp
Classification: Likely benign for Long QT syndrome. Last evaluated: 2026-01-26. Review status: criteria provided, single submitter. Criteria: Invitae Variant Classification Sherloc (09022015). Collection method: clinical testing. Allele origin: germline.

Ambry Genetics
Classification: Likely benign for Cardiovascular phenotype. Last evaluated: 2024-03-04. Review status: criteria provided, single submitter. Criteria: Ambry Variant Classification Scheme 2023. Collection method: clinical testing. Allele origin: germline.

All of Us Research Program, National Institutes of Health
Classification: Likely benign for Long QT syndrome. Last evaluated: 2023-11-30. Review status: criteria provided, single submitter. Criteria: ACMG Guidelines, 2015. Collection method: clinical testing. Allele origin: germline. Inheritance: Autosomal dominant inheritance. Observed: 1 variant allele, 1 heterozygote.
Comment: This study involves interpretation of variants in research participants for the purpose of population health screening. Participant phenotype was not available at the time of variant classification. Additional details can be found in publication PMID: 35346344, PMCID: PMC8962531

Blueprint Genetics
Classification: Likely benign. Last evaluated: 2021-04-19. Review status: criteria provided, single submitter. Criteria: ACMG Guidelines, 2015. Collection method: clinical testing. Allele origin: germline.

Color Diagnostics, LLC DBA Color Health
Classification: Likely benign for Arrhythmia. Last evaluated: 2020-01-14. Review status: criteria provided, single submitter. Criteria: ACMG Guidelines, 2015. Collection method: clinical testing. Allele origin: germline.

NM_000218.3(KCNQ1):c.678C>T (p.Ala226=)

Gene: KCNQ1 (potassium voltage-gated channel subfamily Q member 1; plus strand). Cytogenetic location: 11p15.5.
Variant type: single nucleotide variant.
Coding change: c.678C>T on transcript NM_000218.3 (MANE Select); coding-DNA position 678, C replaced by T.
Protein change: p.Ala226=; no amino-acid change (alanine 226 retained).
Molecular consequence: synonymous variant. On other transcripts: intron variant (1).
Genome position (GRCh38, 1-based): chr11:2,571,398, C>T. VCF-style: chr11-2571398-C-T. GRCh37 (hg19) VCF-style: chr11-2592628-C-T.
Other names: c.678C>T, p.Ala226= (NM_001406836.1); c.408C>T, p.Ala136= (NM_001406837.1); c.297C>T, p.Ala99= (NM_181798.2); c.478-12037C>T (NM_001406838.1).
Identifiers: ClinVar variation 922731 (VCV000922731.16), dbSNP rs771489129, ClinGen allele CA039521.